The following is an entry in ClinVar:

NM_000719.7(CACNA1C):c.4556C>T (p.Thr1519Ile)

Gene: CACNA1C (calcium voltage-gated channel subunit alpha1 C; plus strand). Cytogenetic location: 12p13.33.
Variant type: single nucleotide variant.
Coding change: c.4556C>T on transcript NM_000719.7 (MANE Select); coding-DNA position 4556, C replaced by T.
Protein change: p.Thr1519Ile; replaces threonine 1519 with isoleucine.
Molecular consequence: missense variant.
Genome position (GRCh38, 1-based): chr12:2,666,715, C>T. VCF-style: chr12-2666715-C-T. GRCh37 (hg19) VCF-style: chr12-2775881-C-T.
Other names: c.4700C>T, p.Thr1567Ile (NM_001129827.2, NM_199460.4); c.4622C>T, p.Thr1541Ile (NM_001129829.2); c.4556C>T, p.Thr1519Ile (NM_001129830.3, NM_001129833.2, NM_001129834.2 and 7 more transcripts); c.4640C>T, p.Thr1547Ile (NM_001129831.2); c.4616C>T, p.Thr1539Ile (NM_001129832.2); c.4607C>T, p.Thr1536Ile (NM_001129836.2); c.4523C>T, p.Thr1508Ile (NM_001129837.2, NM_001129838.2, NM_001129846.2 and 1 more transcripts); c.4517C>T, p.Thr1506Ile (NM_001129839.2); and 1 more; short protein forms T1506I, T1508I, T1516I, T1519I, T1536I, T1539I, T1541I, T1547I.
Identifiers: ClinVar variation 3764267 (VCV003764267.2).

ClinVar aggregate classification (germline): Uncertain significance. Review status: criteria provided, multiple submitters, no conflicts (2 of 4 stars). 2 submissions from 2 submitters: Uncertain significance (2). Last evaluated 2025-07-13.

Conditions:
Long QT syndrome (LQTS). Identifiers: MedGen C0023976, MeSH D008133, MONDO:0002442. Disease mechanism: loss of function. Inheritance: Various modes of inheritance.

gnomAD v4.1: 2 of 1,600,832 alleles (0.00012%); highest among the groups gnomAD compares: Non-Finnish European, 0.00017%; no homozygotes.

Submissions (2):

Labcorp Genetics (formerly Invitae), Labcorp
Classification: Uncertain significance for Long QT syndrome. Last evaluated: 2025-07-13. Review status: criteria provided, single submitter. Criteria: Invitae Variant Classification Sherloc (09022015). Collection method: clinical testing. Allele origin: germline.
Comment: This sequence change replaces threonine, which is neutral and polar, with isoleucine, which is neutral and non-polar, at codon 1519 of the CACNA1C protein (p.Thr1519Ile). This variant is not present in population databases (gnomAD no frequency). This variant has not been reported in the literature in individuals affected with CACNA1C-related conditions. ClinVar contains an entry for this variant (Variation ID: 3764267). Invitae Evidence Modeling of protein sequence and biophysical properties (such as structural, functional, and spatial information, amino acid conservation, physicochemical variation, residue mobility, and thermodynamic stability) has been performed for this missense variant. However, the output from this modeling did not meet the statistical confidence thresholds required to predict the impact of this variant on CACNA1C protein function. In summary, the available evidence is currently insufficient to determine the role of this variant in disease. Therefore, it has been classified as a Variant of Uncertain Significance.

GeneDx
Classification: Uncertain significance. Last evaluated: 2024-08-18. Review status: criteria provided, single submitter. Criteria: GeneDx Variant Classification Process June 2021. Collection method: clinical testing. Allele origin: germline. Affected: yes.
Comment: Not observed at significant frequency in large population cohorts (gnomAD); In silico analysis supports that this missense variant has a deleterious effect on protein structure/function; Has not been previously published as pathogenic or benign to our knowledge